The following is an entry in ClinVar:

ClinVar aggregate classification (germline): Uncertain significance. Review status: criteria provided, multiple submitters, no conflicts (2 of 4 stars). 2 submissions from 2 submitters: Uncertain significance (2). Last evaluated 2021-10-21.

Conditions:
Gorlin syndrome. Also called: Basal cell nevus syndrome; Nevoid Basal Cell Carcinoma Syndrome. Identifiers: Orphanet 377, MedGen C0004779, MONDO:0007187.
Hereditary cancer-predisposing syndrome. Also called: Hereditary Cancer Syndrome; Hereditary neoplastic syndrome; Tumor predisposition; Neoplastic Syndromes, Hereditary. Identifiers: Orphanet 140162, MedGen C0027672, MeSH D009386, MONDO:0015356.

Submissions (2):

Ambry Genetics
Classification: Uncertain significance for Hereditary cancer-predisposing syndrome. Last evaluated: 2021-10-21. Review status: criteria provided, single submitter. Criteria: Ambry Variant Classification Scheme 2023. Collection method: clinical testing. Allele origin: germline.
Comment: The p.D1219V variant (also known as c.3656A>T), located in coding exon 22 of the PTCH1 gene, results from an A to T substitution at nucleotide position 3656. The aspartic acid at codon 1219 is replaced by valine, an amino acid with highly dissimilar properties. This amino acid position is highly conserved in available vertebrate species. In addition, this alteration is predicted to be deleterious by in silico analysis. Since supporting evidence is limited at this time, the clinical significance of this alteration remains unclear.

Labcorp Genetics (formerly Invitae), Labcorp
Classification: Uncertain significance for Gorlin syndrome. Last evaluated: 2021-10-21. Review status: criteria provided, single submitter. Criteria: Invitae Variant Classification Sherloc (09022015). Collection method: clinical testing. Allele origin: germline.
Comment: In summary, the available evidence is currently insufficient to determine the role of this variant in disease. Therefore, it has been classified as a Variant of Uncertain Significance. Advanced modeling of protein sequence and biophysical properties (such as structural, functional, and spatial information, amino acid conservation, physicochemical variation, residue mobility, and thermodynamic stability) performed at Invitae indicates that this missense variant is not expected to disrupt PTCH1 protein function. This variant has not been reported in the literature in individuals affected with PTCH1-related conditions. This variant is not present in population databases (ExAC no frequency). This sequence change replaces aspartic acid with valine at codon 1219 of the PTCH1 protein (p.Asp1219Val). The aspartic acid residue is moderately conserved and there is a large physicochemical difference between aspartic acid and valine.

NM_000264.5(PTCH1):c.3656A>T (p.Asp1219Val)

Gene: PTCH1 (patched 1; minus strand). Cytogenetic location: 9q22.32.
Variant type: single nucleotide variant.
Coding change: c.3656A>T on transcript NM_000264.5 (MANE Select); coding-DNA position 3656, A replaced by T.
Protein change: p.Asp1219Val; replaces aspartic acid 1219 with valine.
Molecular consequence: missense variant. On other transcripts: non-coding transcript variant (1).
Genome position (GRCh38, 1-based): chr9:95,449,217, T>A on the plus strand (A>T on the coding strand, the complement: PTCH1 is on the minus strand). VCF-style: chr9-95449217-T-A. GRCh37 (hg19) VCF-style: chr9-98211499-T-A.
Other names: c.3458A>T, p.Asp1153Val (NM_001083602.3); c.3653A>T, p.Asp1218Val (NM_001083603.3); c.3203A>T, p.Asp1068Val (NM_001083604.3, NM_001083605.3, NM_001083606.3 and 1 more transcripts); c.3500A>T, p.Asp1167Val (NM_001354918.2); short protein forms D1153V, D1218V, D1219V, D1068V, D1167V.
Identifiers: ClinVar variation 1362096 (VCV001362096.8), dbSNP rs2136600284, ClinGen allele CA374111209.